The following is an entry in ClinVar:

NM_004100.5(EYA4):c.563A>G (p.Tyr188Cys)

Gene: EYA4 (EYA transcriptional coactivator and phosphatase 4; plus strand). Cytogenetic location: 6q23.2.
Variant type: single nucleotide variant.
Coding change: c.563A>G on transcript NM_004100.5 (MANE Select); coding-DNA position 563, A replaced by G.
Protein change: p.Tyr188Cys; replaces tyrosine 188 with cysteine.
Molecular consequence: missense variant.
Genome position (GRCh38, 1-based): chr6:133,462,460, A>G. VCF-style: chr6-133462460-A-G. GRCh37 (hg19) VCF-style: chr6-133783598-A-G.
Other names: c.401A>G, p.Tyr134Cys (NM_001301012.2, NM_001370459.1); c.563A>G, p.Tyr188Cys (NM_001301013.2, NM_172105.4); c.494A>G, p.Tyr165Cys (NM_001370458.1, NM_172103.4); short protein forms Y188C, Y134C, Y165C.
Identifiers: ClinVar variation 191660 (VCV000191660.1), dbSNP rs200624669, ClinGen allele CA237184.
Genomic context (GRCh38, chr6:133,462,460, plus strand): 5'-AGTATTCGGGGATGCAGCAGCCAGCCGTCTACACAGCCTACTCACAGACAGGACAGCCCT[A>G]CAGCTTGCCCACTTACGGTATTTCACATCTTCTGTTTTCTTCTTTGGTTATAGGCAGGTA-3'
Protein context (NP_004091.3, residues 178-198): YTAYSQTGQP[Tyr188Cys]SLPTYDLGVM

ClinVar aggregate classification (germline): Uncertain significance (1 of 4 stars; one submission).

Submission:

Biesecker Lab/Clinical Genomics Section, National Institutes of Health
Classification: Uncertain significance. Last evaluated: 2013-06-24. Review status: criteria provided, single submitter. Criteria: Ng et al. (Circ Cardiovasc Genet. 2013). Collection method: research. Allele origin: unknown. Observed: 1 variant allele. Study: ClinSeq.
Comment: The study set was not selected for affection status in relation to any cancer. Pathogenicity categories were based on literature curation. See Pubmed ID:23861362 for details.

Medical sequencing